The following is an entry in ClinVar:

NM_052867.4(NALCN):c.2003A>C (p.Asp668Ala)

Gene: NALCN (sodium leak channel, non-selective; minus strand). Cytogenetic location: 13q33.1.
Variant type: single nucleotide variant.
Coding change: c.2003A>C on transcript NM_052867.4 (MANE Select); coding-DNA position 2003, A replaced by C.
Protein change: p.Asp668Ala; replaces aspartic acid 668 with alanine.
Molecular consequence: missense variant.
Genome position (GRCh38, 1-based): chr13:101,143,195, T>G on the plus strand (A>C on the coding strand, the complement: NALCN is on the minus strand). VCF-style: chr13-101143195-T-G. GRCh37 (hg19) VCF-style: chr13-101795546-T-G.
Other names: c.2003A>C, p.Asp668Ala (NM_001350748.2, NM_001350749.2); c.1916A>C, p.Asp639Ala (NM_001350750.2, NM_001350751.2); short protein forms D639A, D668A.
Identifiers: ClinVar variation 5020667 (VCV005020667.1).

ClinVar aggregate classification (germline): Uncertain significance (1 of 4 stars; one submission).

Submission:

Dasa
Classification: Uncertain significance. Last evaluated: 2026-08-04. Review status: criteria provided, single submitter. Criteria: DASA Assertion Criteria. Collection method: clinical testing. Allele origin: germline.
Comment: NM_052867.4(NALCN):c.2003A>C (p.Asp668Ala) is a missense variant that results in the substitution of aspartic acid with alanine. This variant is rare in population databases. Computational prediction algorithms are consistent with a deleterious effect. The currently available literature and clinical evidence are not sufficient to establish a definitive association between this variant and the reported condition. Therefore, this variant is classified as a variant of uncertain significance.